The following is an entry in ClinVar:

ClinVar aggregate classification (germline): Likely pathogenic. Review status: criteria provided, multiple submitters, no conflicts (2 of 4 stars). 2 submissions from 2 submitters: Likely pathogenic (2). Last evaluated 2023-04-06.

Conditions:
Combined oxidative phosphorylation defect type 13. Also called: Combined oxidative phosphorylation deficiency 13. Identifiers: Orphanet 319514, MedGen C4706283, MONDO:0013977, OMIM 614932.

Submissions (2):

Labcorp Genetics (formerly Invitae), Labcorp
Classification: Likely pathogenic. Last evaluated: 2023-04-06. Review status: criteria provided, single submitter. Criteria: Invitae Variant Classification Sherloc (09022015). Collection method: clinical testing. Allele origin: germline.
Comment: This sequence change affects a donor splice site in intron 23 of the PNPT1 gene. It is expected to disrupt RNA splicing. Variants that disrupt the donor or acceptor splice site typically lead to a loss of protein function (PMID: 16199547), and loss-of-function variants in PNPT1 are known to be pathogenic (PMID: 28594066, 30244537). This variant is not present in population databases (gnomAD no frequency). This variant has not been reported in the literature in individuals affected with PNPT1-related conditions. ClinVar contains an entry for this variant (Variation ID: 1031032). Algorithms developed to predict the effect of sequence changes on RNA splicing suggest that this variant may disrupt the consensus splice site. In summary, the currently available evidence indicates that the variant is pathogenic, but additional data are needed to prove that conclusively. Therefore, this variant has been classified as Likely Pathogenic.

Baylor Genetics
Classification: Likely pathogenic for Combined oxidative phosphorylation defect type 13. Last evaluated: 2019-09-27. Review status: criteria provided, single submitter. Criteria: ACMG Guidelines, 2015. Collection method: clinical testing. Allele origin: unknown. Affected: yes.
Comment: This variant was determined to be likely pathogenic according to ACMG Guidelines, 2015 [PMID:25741868].

Literature cited by the submitters: PubMed 16199547 (cited by Labcorp Genetics (formerly Invitae), Labcorp); PubMed 28594066 (cited by Labcorp Genetics (formerly Invitae), Labcorp); PubMed 30244537 (cited by Labcorp Genetics (formerly Invitae), Labcorp).

NM_033109.5(PNPT1):c.1906+1G>A

Gene: PNPT1 (polyribonucleotide nucleotidyltransferase 1; minus strand). Cytogenetic location: 2p16.1.
Variant type: single nucleotide variant.
Coding change: c.1906+1G>A on transcript NM_033109.5 (MANE Select); the canonical splice donor site of the intron after coding-DNA position 1906, G replaced by A.
Molecular consequence: splice donor variant.
Genome position (GRCh38, 1-based): chr2:55,644,636, C>T on the plus strand (G>A on the coding strand, the complement: PNPT1 is on the minus strand). VCF-style: chr2-55644636-C-T. GRCh37 (hg19) VCF-style: chr2-55871771-C-T.
Identifiers: ClinVar variation 1031032 (VCV001031032.4), dbSNP rs1695931094, ClinGen allele CA346924297.
Genomic context (GRCh38, chr2:55,644,636, plus strand): 5'-ATAGCAAACTTTTATGGTCTAGCATTTAATTAAAAAACCCCAAACTTCATACAACTCTTA[C>T]CTGTTTCAGCCTGAAGTTTTTTTAAGTTATAGCCACCAGGTCCAACAAATTTTGCTCGTT-3'